The following is an entry in ClinVar:

GRCh38/hg38 1q42.2-44(chr1:233326858-245816055)x1

Genes: ACTN2 (actinin alpha 2; plus strand), ADSS2 (adenylosuccinate synthase 2; minus strand), AKT3 (AKT serine/threonine kinase 3; minus strand), AKT3-IT1 (AKT3 intronic transcript 1; minus strand), ARID4B (AT-rich interaction domain 4B; minus strand) and 333 more. Cytogenetic location: 1q42.2-44.
Variant type: copy number loss.
Change: copy number 1 (one copy instead of two) of chr1:233,326,858-245,816,055 (12.49 Mb, GRCh38 coordinates, 1-based), cytogenetic band 1q42.2-44.
Identifiers: ClinVar variation 5038306 (VCV005038306.1).

ClinVar aggregate classification (germline): Pathogenic (1 of 4 stars; one submission).

Submission:

Clinical Genomics Laboratory, Laboratory for Precision Diagnostics, University of Washington
Classification: Pathogenic. Last evaluated: 2025-08-27. Review status: criteria provided, single submitter. Criteria: ACMG/ClinGen CNV Guidelines, 2019. Collection method: clinical testing. Allele origin: unknown. Affected: yes. Observed: 1 variant allele.
Comment: This interstitial deletion is approximately 12.5Mb in size and contains 52 protein-coding genes, including three that are established as causing health problems when one copy is deleted: ZBTB18, HNRNPU, and FH. This deletion also fully encompasses the genomic region that causes chromosome 1q43-q44 deletion syndrome (OMIM 612337). The critical region for chromosome 1q43-q44 deletion syndrome encompasses both ZBTB18 and HNRNPU. Heterozygous loss-of-function variants in ZBTB18 are associated with intellectual disability, anomalies of the corpus callosum, low muscle tone, microcephaly, poor growth, and distinctive facial features. Heterozygous loss-of-function variants in HNRNPU have been found in people with intellectual disability, seizures, and distinctive facial features. Congenital corpus callosum, heart, and kidney abnormalities are also seen. In addition, heterozygous loss-of-function variants in FH cause hereditary leiomyomatosis and renal cell cancer, which are not typically seen prenatally. PMID: 32653137 reported a de novo 1q42.3-q44 deletion similar to this one in a fetus with prenatal ventriculomegaly and postnatal distinctive facial features. There are several patients in DECIPHER with a terminal deletion of 1q that extends almost through the region deleted here: 392633, 390355, 392647, 394826, 395959, and 394122. These patients generally have distinctive facial features; hydrocephalus, cerebellar abnormalities or other CNS anomalies; intellectual disability; microcephaly; short stature; and abnormal ears.

Literature cited by the submitters: PubMed 32653137; PubMed 36192753; PubMed 21800092.